The following is an entry in ClinVar:

NM_001042492.3(NF1):c.4174G>T (p.Val1392Leu)

Gene: NF1 (neurofibromin 1; plus strand). Cytogenetic location: 17q11.2.
Variant type: single nucleotide variant.
Coding change: c.4174G>T on transcript NM_001042492.3 (MANE Select); coding-DNA position 4174, G replaced by T.
Protein change: p.Val1392Leu; replaces valine 1392 with leucine.
Molecular consequence: missense variant.
Genome position (GRCh38, 1-based): chr17:31,258,344, G>T. VCF-style: chr17-31258344-G-T. GRCh37 (hg19) VCF-style: chr17-29585362-G-T.
Other names: c.4111G>T, p.Val1371Leu (NM_000267.4); short protein forms V1392L, V1371L.
Identifiers: ClinVar variation 824603 (VCV000824603.4), dbSNP rs1597744525, ClinGen allele CA398997481.

ClinVar aggregate classification (germline): Uncertain significance (1 of 4 stars; one submission).

Conditions:
Hereditary cancer-predisposing syndrome. Also called: Neoplastic Syndromes, Hereditary; Tumor predisposition; Hereditary neoplastic syndrome; Hereditary Cancer Syndrome. Identifiers: Orphanet 140162, MedGen C0027672, MeSH D009386, MONDO:0015356.
Cardiovascular phenotype. Identifiers: MedGen CN230736.

Submission:

Ambry Genetics
Classification: Uncertain significance for Cardiovascular phenotype; Hereditary cancer-predisposing syndrome. Last evaluated: 2019-03-19. Review status: criteria provided, single submitter. Criteria: Ambry Variant Classification Scheme 2023. Collection method: clinical testing. Allele origin: germline.
Comment: The p.V1371L variant (also known as c.4111G>T) is located in coding exon 31 of the NF1 gene. The valine at codon 1371 is replaced by leucine, an amino acid with highly similar properties. This change occurs in the first base pair of coding exon 31. This amino acid position is highly conserved in available vertebrate species. In addition, the in silico prediction for this alteration is inconclusive. Since supporting evidence is limited at this time, the clinical significance of this alteration remains unclear.